The following is an entry in ClinVar:

ClinVar aggregate classification (germline): Likely benign (0 of 4 stars; one submission).

Conditions:
PTPRS-related disorder. Also called: PTPRS-related condition.

Allele frequency attached by ClinVar (database versions not stated): ExAC 0.00001; gnomAD 0.00002; gnomAD exomes 0.00003; TOPMed 0.00004.
gnomAD v4.1: 54 of 1,613,716 alleles (0.0033%); highest among the groups gnomAD compares: Non-Finnish European, 0.0044%; no homozygotes.

Submission:

PreventionGenetics, part of Exact Sciences
Classification: Likely benign for PTPRS-related condition. Last evaluated: 2022-08-21. Review status: no assertion criteria provided. Collection method: clinical testing. Allele origin: germline.
Comment: This variant is classified as likely benign based on ACMG/AMP sequence variant interpretation guidelines (Richards et al. 2015 PMID: 25741868, with internal and published modifications).

NM_002850.4(PTPRS):c.4215G>A (p.Gln1405=)

Gene: PTPRS (protein tyrosine phosphatase receptor type S; minus strand). Cytogenetic location: 19p13.3.
Variant type: single nucleotide variant.
Coding change: c.4215G>A on transcript NM_002850.4 (MANE Select); coding-DNA position 4215, G replaced by A.
Protein change: p.Gln1405=; no amino-acid change (glutamine 1405 retained).
Molecular consequence: synonymous variant.
Genome position (GRCh38, 1-based): chr19:5,215,392, C>T on the plus strand (G>A on the coding strand, the complement: PTPRS is on the minus strand). VCF-style: chr19-5215392-C-T. GRCh37 (hg19) VCF-style: chr19-5215403-C-T.
Other names: c.4149G>A, p.Gln1383= (NM_001394011.1); c.4128G>A, p.Gln1376= (NM_001394012.1); c.4089G>A, p.Gln1363= (NM_001394013.1); c.2874G>A, p.Gln958= (NM_130853.3); c.4101G>A, p.Gln1367= (NM_130854.3); c.2886G>A, p.Gln962= (NM_130855.3).
Identifiers: ClinVar variation 3030744 (VCV003030744.2), dbSNP rs759571767, ClinGen allele CA9109216.
Genomic context (GRCh38, chr19:5,215,392, plus strand): 5'-GACGTTGGCATAGCGGTTCTTCGGCTTGTTCACTTCCAGGTTGGAATGTTCCCATGTGAA[C>T]TGCTGTCCAGGGTCGATGGACTACAGAGGAAGGGGAGAGCGCGGGTGTCAGGGTAGGTGC-3'
Protein context (NP_002841.3, residues 1395-1415): QEYESIDPGQ[Gln1405=]FTWEHSNLEV